The following is an entry in ClinVar:

NM_032608.7(MYO18B):c.1598A>G (p.Asp533Gly)

Gene: MYO18B (myosin XVIIIB; plus strand). Cytogenetic location: 22q12.1.
Variant type: single nucleotide variant.
Coding change: c.1598A>G on transcript NM_032608.7 (MANE Select); coding-DNA position 1598, A replaced by G.
Protein change: p.Asp533Gly; replaces aspartic acid 533 with glycine.
Molecular consequence: missense variant.
Genome position (GRCh38, 1-based): chr22:25,770,890, A>G. VCF-style: chr22-25770890-A-G. GRCh37 (hg19) VCF-style: chr22-26166857-A-G.
Other names: c.1598A>G, p.Asp533Gly (NM_001318245.2); short protein forms D533G.
Identifiers: ClinVar variation 1350024 (VCV001350024.6), dbSNP rs2145599891, ClinGen allele CA411005577.

ClinVar aggregate classification (germline): Uncertain significance (1 of 4 stars; one submission).

Submission:

Labcorp Genetics (formerly Invitae), Labcorp
Classification: Uncertain significance. Last evaluated: 2022-01-28. Review status: criteria provided, single submitter. Criteria: Invitae Variant Classification Sherloc (09022015). Collection method: clinical testing. Allele origin: germline.
Comment: This sequence change replaces aspartic acid, which is acidic and polar, with glycine, which is neutral and non-polar, at codon 533 of the MYO18B protein (p.Asp533Gly). This variant is not present in population databases (gnomAD no frequency). In summary, the available evidence is currently insufficient to determine the role of this variant in disease. Therefore, it has been classified as a Variant of Uncertain Significance. Algorithms developed to predict the effect of missense changes on protein structure and function are either unavailable or do not agree on the potential impact of this missense change (SIFT: "Not Available"; PolyPhen-2: "Probably Damaging"; Align-GVGD: "Not Available"). This variant has not been reported in the literature in individuals affected with MYO18B-related conditions.